The following is an entry in ClinVar:

ClinVar aggregate classification (germline): Uncertain significance (1 of 4 stars; one submission).

Conditions:
Congenital myasthenic syndrome 8. Also called: MYASTHENIC SYNDROME, CONGENITAL, DUE TO AGRIN DEFICIENCY; Myasthenic syndrome, congenital, 8, with pre- and postsynaptic defects. Identifiers: Orphanet 590, MedGen C3808739, MONDO:0014052, OMIM 615120.

Allele frequency attached by ClinVar (database versions not stated): gnomAD exomes below 0.00001; TOPMed below 0.00001; gnomAD 0.00001.
gnomAD v4.1: 2 of 1,601,290 alleles (0.00012%); highest among the groups gnomAD compares: Non-Finnish European, 0.00017%; no homozygotes.

Submission:

Labcorp Genetics (formerly Invitae), Labcorp
Classification: Uncertain significance for Congenital myasthenic syndrome 8. Last evaluated: 2021-11-13. Review status: criteria provided, single submitter. Criteria: Invitae Variant Classification Sherloc (09022015). Collection method: clinical testing. Allele origin: germline.
Comment: In summary, the available evidence is currently insufficient to determine the role of this variant in disease. Therefore, it has been classified as a Variant of Uncertain Significance. Algorithms developed to predict the effect of missense changes on protein structure and function are either unavailable or do not agree on the potential impact of this missense change (SIFT: "Deleterious"; PolyPhen-2: "Probably Damaging"; Align-GVGD: "Class C0"). This variant has not been reported in the literature in individuals affected with AGRN-related conditions. This variant is not present in population databases (gnomAD no frequency). This sequence change replaces cysteine, which is neutral and slightly polar, with tyrosine, which is neutral and polar, at codon 599 of the AGRN protein (p.Cys599Tyr).

NM_198576.4(AGRN):c.1796G>A (p.Cys599Tyr)

Gene: AGRN (agrin; plus strand). Cytogenetic location: 1p36.33.
Variant type: single nucleotide variant.
Coding change: c.1796G>A on transcript NM_198576.4 (MANE Select); coding-DNA position 1796, G replaced by A.
Protein change: p.Cys599Tyr; replaces cysteine 599 with tyrosine.
Molecular consequence: missense variant.
Genome position (GRCh38, 1-based): chr1:1,043,730, G>A. VCF-style: chr1-1043730-G-A. GRCh37 (hg19) VCF-style: chr1-979110-G-A.
Other names: c.1796G>A, p.Cys599Tyr (NM_001305275.2); c.1481G>A, p.Cys494Tyr (NM_001364727.2); short protein forms C599Y, C494Y.
Identifiers: ClinVar variation 1475103 (VCV001475103.6), dbSNP rs1277483777, ClinGen allele CA337834175.